The following is an entry in ClinVar:

ClinVar aggregate classification (germline): Likely pathogenic (1 of 4 stars; one submission).

Conditions:
Propionic acidemia (PROP). Also called: GLYCINEMIA, KETOTIC; HYPERGLYCINEMIA WITH KETOACIDOSIS AND LEUKOPENIA; KETOTIC HYPERGLYCINEMIA. Identifiers: Orphanet 35, MedGen C0268579, MONDO:0011628, OMIM 606054, HP:0003571.

Allele frequency attached by ClinVar (database versions not stated): ExAC 0.00001; gnomAD exomes 0.00001.
gnomAD v4.1: 8 of 1,609,854 alleles (0.0005%); no homozygotes.

Submission:

Labcorp Genetics (formerly Invitae), Labcorp
Classification: Likely pathogenic for Propionic acidemia. Last evaluated: 2023-09-18. Review status: criteria provided, single submitter. Criteria: Invitae Variant Classification Sherloc (09022015). Collection method: clinical testing. Allele origin: germline.
Comment: In summary, the currently available evidence indicates that the variant is pathogenic, but additional data are needed to prove that conclusively. Therefore, this variant has been classified as Likely Pathogenic. This sequence change affects an acceptor splice site in intron 12 of the PCCB gene. It is expected to disrupt RNA splicing. Variants that disrupt the donor or acceptor splice site typically lead to a loss of protein function (PMID: 16199547), and loss-of-function variants in PCCB are known to be pathogenic (PMID: 15464417). This variant is present in population databases (rs766240417, gnomAD 0.01%). This variant has not been reported in the literature in individuals affected with PCCB-related conditions. Algorithms developed to predict the effect of sequence changes on RNA splicing suggest that this variant may disrupt the consensus splice site.

Literature cited by the submitters: PubMed 16199547; PubMed 15464417.

NM_000532.5(PCCB):c.1300-1G>A

Gene: PCCB (propionyl-CoA carboxylase subunit beta; plus strand). Cytogenetic location: 3q22.3.
Variant type: single nucleotide variant.
Coding change: c.1300-1G>A on transcript NM_000532.5 (MANE Select); the canonical splice acceptor site of the intron before coding-DNA position 1300, G replaced by A.
Molecular consequence: splice acceptor variant.
Genome position (GRCh38, 1-based): chr3:136,327,633, G>A. VCF-style: chr3-136327633-G-A. GRCh37 (hg19) VCF-style: chr3-136046475-G-A.
Other names: c.1360-1G>A (NM_001178014.2).
Identifiers: ClinVar variation 2875458 (VCV002875458.3), dbSNP rs766240417, ClinGen allele CA2632145.